The following is an entry in ClinVar:

NM_001164508.2(NEB):c.14869T>A (p.Tyr4957Asn)

Gene: NEB (nebulin; minus strand). Cytogenetic location: 2q23.3.
Variant type: single nucleotide variant.
Coding change: c.14869T>A on transcript NM_001164508.2 (MANE Select); coding-DNA position 14869, T replaced by A.
Protein change: p.Tyr4957Asn; replaces tyrosine 4957 with asparagine.
Molecular consequence: missense variant. On other transcripts: intron variant (1).
Genome position (GRCh38, 1-based): chr2:151,591,413, A>T on the plus strand (T>A on the coding strand, the complement: NEB is on the minus strand). VCF-style: chr2-151591413-A-T. GRCh37 (hg19) VCF-style: chr2-152447927-A-T.
Other names: c.14869T>A, p.Tyr4957Asn (NM_001164507.2, NM_001271208.2); c.11602-15059T>A (NM_004543.5); short protein forms Y4957N.
Identifiers: ClinVar variation 1320929 (VCV001320929.5), dbSNP rs756192566, ClinGen allele CA1908464.

ClinVar aggregate classification (germline): Uncertain significance. Review status: criteria provided, multiple submitters, no conflicts (2 of 4 stars). 4 submissions from 4 submitters: Uncertain significance (4). Last evaluated 2025-09-12.

Conditions:
NEB-related disorder. Also called: NEB-Related Disorders; NEB-related condition.

Allele frequency attached by ClinVar (database versions not stated): 1000 Genomes Project 30x 0.00031; gnomAD 0.00055; ExAC 0.00111.

Submissions (4):

PreventionGenetics, part of Exact Sciences
Classification: Uncertain significance for NEB-related condition. Last evaluated: 2025-09-12. Review status: criteria provided, single submitter. Criteria: ACMG Guidelines, 2015. Collection method: clinical testing. Allele origin: germline.
Comment: The NEB c.14869T>A variant is predicted to result in the amino acid substitution p.Tyr4957Asn. To our knowledge, this variant has not been reported in the literature. This variant is reported in 0.097% of alleles in individuals of European (Non-Finnish) descent in gnomAD. This variant falls within a highly paralogous region. Allele frequency data should be interpreted with caution. At this time, the clinical significance of this variant is uncertain due to the absence of conclusive functional and genetic evidence.

Revvity Omics, Revvity
Classification: Uncertain significance. Last evaluated: 2024-07-16. Review status: criteria provided, single submitter. Criteria: ACMG Guidelines, 2015. Collection method: clinical testing. Allele origin: germline.

Women's Health and Genetics/Laboratory Corporation of America, LabCorp
Classification: Uncertain significance. Last evaluated: 2023-08-03. Review status: criteria provided, single submitter. Criteria: LabCorp Variant Classification Summary - May 2015. Collection method: clinical testing. Allele origin: germline.
Comment: Variant summary: NEB c.14869T>A (p.Tyr4957Asn) results in a non-conservative amino acid change in the encoded protein sequence. Three of four in-silico tools predict a damaging effect of the variant on protein function. The variant allele was found at a frequency of 0.00063 in 104636 control chromosomes (gnomAD). This frequency is not significantly higher than estimated for a pathogenic variant in NEB causing Nemaline Myopathy 2 (0.00063 vs 0.0035), allowing no conclusion about variant significance. To our knowledge, no occurrence of c.14869T>A in individuals affected with Nemaline Myopathy 2 and no experimental evidence demonstrating its impact on protein function have been reported. One ClinVar submitter has assessed the variant since 2014, and classified the variant as uncertain significance. Based on the evidence outlined above, the variant was classified as uncertain significance.

GeneDx
Classification: Uncertain significance. Last evaluated: 2021-05-04. Review status: criteria provided, single submitter. Criteria: GeneDx Variant Classification Process June 2021. Collection method: clinical testing. Allele origin: germline. Affected: yes.
Comment: In silico analysis supports that this missense variant has a deleterious effect on protein structure/function; Has not been previously published as pathogenic or benign to our knowledge; In silico analysis supports that this missense variant does not alter protein structure/function